The following is an entry in ClinVar:

ClinVar aggregate classification (germline): Conflicting classifications of pathogenicity. Review status: criteria provided, conflicting classifications (1 of 4 stars). 5 submissions from 5 submitters: Likely pathogenic (2); Uncertain significance (2). 1 of the submissions does not count toward it. Last evaluated 2026-03-23.

Conditions:
Exostoses, multiple, type 2 (EXT2). Also called: Hereditary Multiple Osteochondromatosis, Type II; EXOSTOSES, MULTIPLE, TYPE II. Identifiers: Orphanet 321, MedGen C1851413, MONDO:0007586, OMIM 133701.

Allele frequency attached by ClinVar (database versions not stated): ExAC 0.00002; gnomAD 0.00001; gnomAD exomes 0.00001.
gnomAD v4.1: 11 of 1,613,812 alleles (0.00068%); highest among the groups gnomAD compares: East Asian, 0.0045%; no homozygotes.

Submissions (5):

Dasa
Classification: Uncertain significance. Last evaluated: 2026-03-23. Review status: criteria provided, single submitter. Criteria: DASA Assertion Criteria. Collection method: clinical testing. Allele origin: germline.
Comment: NM_207122.2(EXT2):c.863A>G (p.Asn288Ser) is a missense variant that results in the substitution of asparagine with serine. This variant has been reported in individuals with EXT2-related disorders (PMID: 30806661). Also, this variant is rare in population databases. The currently available literature and clinical evidence are not sufficient to establish a definitive association between this variant and the reported condition. Therefore, this variant is classified as a variant of uncertain significance.

KCCC/NGS Laboratory, Kuwait Cancer Control Center
Classification: Likely pathogenic for Exostoses, multiple, type 2. Last evaluated: 2025-01-06. Review status: criteria provided, single submitter. Criteria: ACMG Guidelines, 2015. Collection method: clinical testing. Allele origin: germline. Inheritance: Autosomal dominant inheritance. Affected: yes. Observed: 1 heterozygote.
Comment: A known familial likely pathogenic mutation in EXT2 gene was detected (c.863A>G) . This sequence change replaces asparagine, which is neutral and polar, with serine, which is neutral and polar, at codon 288 of the EXT2 protein (p.Asn288Ser). This variant is present in population databases (rs745738318, gnomAD 0.006%). This missense change has been observed in individual(s) with hereditary multiple osteochondromas (PMID: 30806661). ClinVar contains an entry for this variant (Variation ID: 983551) single submitter , classified as likely pathogenic . In-silico predictions show conflicting as 4 benign predictions from SIFT, PrimateAI, PROVEAN, mutataion assessor vs 6 pathogenic prediction from MVP , FATHMM, FATHMM-MKL, FATHMM-XF, LRT and PolyPhen . In summary, the currently available evidence indicates that the variant is pathogenic, but additional data are needed to prove that conclusively. Therefore, this variant has been classified as Likely Pathogenic.The heterozygous mutation in EXT2 is typically associated with multiple exostoses, type 2 (OMIM #133701), which is an autosomal dominant skeletal disorder characterized by the development of multiple benign bone growths (osteochondromas) on the long bones of the limbs.

Revvity Omics, Revvity
Classification: Uncertain significance. Last evaluated: 2024-08-29. Review status: criteria provided, single submitter. Criteria: ACMG Guidelines, 2015. Collection method: clinical testing. Allele origin: germline.

Labcorp Genetics (formerly Invitae), Labcorp
Classification: Likely pathogenic for Exostoses, multiple, type 2. Last evaluated: 2023-12-27. Review status: criteria provided, single submitter. Criteria: Invitae Variant Classification Sherloc (09022015). Collection method: clinical testing. Allele origin: germline.
Comment: This sequence change replaces asparagine, which is neutral and polar, with serine, which is neutral and polar, at codon 288 of the EXT2 protein (p.Asn288Ser). This variant is present in population databases (rs745738318, gnomAD 0.006%). This missense change has been observed in individual(s) with hereditary multiple osteochondromas (PMID: 30806661). ClinVar contains an entry for this variant (Variation ID: 983551). Advanced modeling of protein sequence and biophysical properties (such as structural, functional, and spatial information, amino acid conservation, physicochemical variation, residue mobility, and thermodynamic stability) performed at Invitae indicates that this missense variant is not expected to disrupt EXT2 protein function with a negative predictive value of 80%. In summary, the currently available evidence indicates that the variant is pathogenic, but additional data are needed to prove that conclusively. Therefore, this variant has been classified as Likely Pathogenic.

OMIM
Classification: Pathogenic for EXOSTOSES, MULTIPLE, TYPE II. Last evaluated: 2020-11-06. Review status: no assertion criteria provided. Collection method: literature only. Allele origin: germline. Not counted in ClinVar's aggregate classification.

Literature cited by the submitters: PubMed 30806661 (cited by 3 submitters).

NM_207122.2(EXT2):c.863A>G (p.Asn288Ser)

Gene: EXT2 (exostosin glycosyltransferase 2; plus strand). Cytogenetic location: 11p11.2.
Variant type: single nucleotide variant.
Coding change: c.863A>G on transcript NM_207122.2 (MANE Select); coding-DNA position 863, A replaced by G.
Protein change: p.Asn288Ser; replaces asparagine 288 with serine.
Molecular consequence: missense variant.
Genome position (GRCh38, 1-based): chr11:44,124,908, A>G. VCF-style: chr11-44124908-A-G. GRCh37 (hg19) VCF-style: chr11-44146458-A-G.
Other names: c.962A>G, p.Asn321Ser (NM_000401.3); c.863A>G, p.Asn288Ser (NM_001178083.3); short protein forms N288S, N321S.
Identifiers: ClinVar variation 983551 (VCV000983551.9), dbSNP rs745738318, ClinGen allele CA5955021.
Genomic context (GRCh38, chr11:44,124,908, plus strand): 5'-ACCTAGAAGCCCTCCAGGTCAAACATGGAGAGTCAGTGTTAGTACTCGATAAATGCACCA[A>G]CCTCTCAGAGGGTGTCCTTTCTGTCCGTAAGCGCTGCCACAAGCACCAGGTCTTCGATTA-3'
Protein context (NP_997005.1, residues 278-298): ESVLVLDKCT[Asn288Ser]LSEGVLSVRK